The following is an entry in ClinVar:

NM_004369.4(COL6A3):c.1898-17T>C

Gene: COL6A3 (collagen type VI alpha 3 chain; minus strand). Cytogenetic location: 2q37.3.
Variant type: single nucleotide variant.
Coding change: c.1898-17T>C on transcript NM_004369.4 (MANE Select); 17 bases into the intron before coding-DNA position 1898, T replaced by C.
Molecular consequence: intron variant.
Genome position (GRCh38, 1-based): chr2:237,379,252, A>G on the plus strand (T>C on the coding strand, the complement: COL6A3 is on the minus strand). VCF-style: chr2-237379252-A-G. GRCh37 (hg19) VCF-style: chr2-238287895-A-G.
Other names: c.676+1663T>C (NM_057166.5); c.1280-17T>C (NM_057167.4, NM_057165.5); c.677-17T>C (NM_057164.5).
Identifiers: ClinVar variation 388218 (VCV000388218.1), dbSNP rs1057523034, ClinGen allele CA16604144.

ClinVar aggregate classification (germline): Likely benign (1 of 4 stars; one submission).

Allele frequency attached by ClinVar (database versions not stated): TOPMed below 0.00001; gnomAD 0.00001; gnomAD exomes 0.00001.
gnomAD v4.1: 12 of 1,613,486 alleles (0.00074%); highest among the groups gnomAD compares: Non-Finnish European, 0.001%; no homozygotes.

Submission:

GeneDx
Classification: Likely benign. Last evaluated: 2016-08-10. Review status: criteria provided, single submitter. Criteria: GeneDx Variant Classification (06012015). Collection method: clinical testing. Allele origin: germline. Affected: yes.
Comment: This variant is considered likely benign or benign based on one or more of the following criteria: it is a conservative change, it occurs at a poorly conserved position in the protein, it is predicted to be benign by multiple in silico algorithms, and/or has population frequency not consistent with disease.